The following is an entry in ClinVar:

NM_001378457.1(DMXL2):c.1057A>G (p.Asn353Asp)

Gene: DMXL2 (Dmx like 2; minus strand). Cytogenetic location: 15q21.2.
Variant type: single nucleotide variant.
Coding change: c.1057A>G on transcript NM_001378457.1 (MANE Select); coding-DNA position 1057, A replaced by G.
Protein change: p.Asn353Asp; replaces asparagine 353 with aspartic acid.
Molecular consequence: missense variant. On other transcripts: non-coding transcript variant (2).
Genome position (GRCh38, 1-based): chr15:51,542,381, T>C on the plus strand (A>G on the coding strand, the complement: DMXL2 is on the minus strand). VCF-style: chr15-51542381-T-C. GRCh37 (hg19) VCF-style: chr15-51834578-T-C.
Other names: c.1057A>G, p.Asn353Asp (NM_001174116.3, NM_001174117.3, NM_001378458.1 and 7 more transcripts); short protein forms N353D.
Identifiers: ClinVar variation 3364099 (VCV003364099.2).

ClinVar aggregate classification (germline): Uncertain significance. Review status: criteria provided, multiple submitters, no conflicts (2 of 4 stars). 2 submissions from 2 submitters: Uncertain significance (2). Last evaluated 2023-11-10.

gnomAD v4.1: 2 of 1,613,792 alleles (0.00012%); highest among the groups gnomAD compares: East Asian, 0.0022%; no homozygotes.

Submissions (2):

Blueprint Genetics
Classification: Uncertain significance. Last evaluated: 2023-11-10. Review status: criteria provided, single submitter. Criteria: ACMG Guidelines, 2015. Collection method: clinical testing. Allele origin: germline.

GeneDx
Classification: Uncertain significance. Last evaluated: 2023-11-10. Review status: criteria provided, single submitter. Criteria: GeneDx Variant Classification Process June 2021. Collection method: clinical testing. Allele origin: germline. Affected: yes.
Comment: Not observed at significant frequency in large population cohorts (gnomAD); In silico analysis supports that this missense variant has a deleterious effect on protein structure/function; Has not been previously published as pathogenic or benign to our knowledge